The following is an entry in ClinVar:

ClinVar aggregate classification (germline): Uncertain significance (1 of 4 stars; one submission).

Conditions:
Lynch syndrome. Identifiers: Orphanet 144, MedGen C4552100, MONDO:0005835. Disease mechanism: loss of function.

Submission:

All of Us Research Program, National Institutes of Health
Classification: Uncertain significance for Lynch syndrome. Last evaluated: 2024-08-13. Review status: criteria provided, single submitter. Criteria: ACMG Guidelines, 2015. Collection method: clinical testing. Allele origin: germline. Inheritance: Autosomal dominant inheritance. Observed: 1 variant allele, 1 heterozygote.
Comment: This missense variant replaces aspartic acid with glycine at codon 606 of the PMS2 protein. Computational prediction suggests that this variant may not impact protein structure and function (internally defined REVEL score threshold <= 0.5, PMID: 27666373). To our knowledge, functional studies have not been reported for this variant. This variant has not been reported in individuals affected with PMS2-related disorders in the literature. This variant has not been identified in the general population by the Genome Aggregation Database (gnomAD). The available evidence is insufficient to determine the role of this variant in disease conclusively. Therefore, this variant is classified as a Variant of Uncertain Significance.

This study involves interpretation of variants in research participants for the purpose of population health screening. Participant phenotype was not available at the time of variant classification. Additional details can be found in publication PMID: 35346344, PMCID: PMC8962531

NM_000535.7(PMS2):c.1817A>G (p.Asp606Gly)

Gene: PMS2 (PMS1 homolog 2, mismatch repair system component; minus strand). Cytogenetic location: 7p22.1.
Variant type: single nucleotide variant.
Coding change: c.1817A>G on transcript NM_000535.7 (MANE Select); coding-DNA position 1817, A replaced by G.
Protein change: p.Asp606Gly; replaces aspartic acid 606 with glycine.
Molecular consequence: missense variant. On other transcripts: non-coding transcript variant (1), intron variant (1).
Genome position (GRCh38, 1-based): chr7:5,986,948, T>C on the plus strand (A>G on the coding strand, the complement: PMS2 is on the minus strand). VCF-style: chr7-5986948-T-C. GRCh37 (hg19) VCF-style: chr7-6026579-T-C.
Other names: c.1412A>G, p.Asp471Gly (NM_001322003.2, NM_001322004.2, NM_001322005.2 and 16 more transcripts); c.1661A>G, p.Asp554Gly (NM_001322006.2, NM_001406870.1); c.1499A>G, p.Asp500Gly (NM_001322007.2, NM_001322008.2, NM_001406876.1 and 2 more transcripts); c.1256A>G, p.Asp419Gly (NM_001322010.2, NM_001406906.1, NM_001406907.1); c.884A>G, p.Asp295Gly (NM_001322011.2, NM_001322012.2); c.1244A>G, p.Asp415Gly (NM_001322013.2, NM_001406909.1); c.1817A>G, p.Asp606Gly (NM_001322014.2, NM_001406871.1, NM_001406872.1); c.1508A>G, p.Asp503Gly (NM_001322015.2, NM_001406875.1, NM_001406877.1 and 5 more transcripts); and 13 more; short protein forms D295G, D349G, D415G, D419G, D435G, D448G, D451G, D471G.
Identifiers: ClinVar variation 3387508 (VCV003387508.1).